The following is an entry in ClinVar:

ClinVar aggregate classification (germline): Pathogenic/Likely pathogenic. Review status: criteria provided, multiple submitters, no conflicts (2 of 4 stars). 5 submissions from 5 submitters: Pathogenic (1); Likely pathogenic (3). 1 of the submissions does not count toward it. Last evaluated 2024-02-28.

Conditions:
Peroxisome biogenesis disorder type 3B. Identifiers: Orphanet 44, Orphanet 772, MedGen C3550693, MONDO:0009959, OMIM 266510.
Peroxisome biogenesis disorder 3A (Zellweger). Also called: PEROXISOMAL BIOGENESIS DISORDER 3A (ZELLWEGER); Peroxisome biogenesis disorder 3A. Identifiers: Orphanet 912, MedGen C3553929, MONDO:0013927, OMIM 614859.

Submissions (5):

Fulgent Genetics
Classification: Likely pathogenic for Peroxisome biogenesis disorder type 3B; Peroxisome biogenesis disorder 3A (Zellweger). Last evaluated: 2024-02-28. Review status: criteria provided, single submitter. Criteria: ACMG Guidelines, 2015. Collection method: clinical testing. Allele origin: germline.

Baylor Genetics
Classification: Likely pathogenic for Peroxisome biogenesis disorder 3A (Zellweger). Last evaluated: 2023-10-07. Review status: criteria provided, single submitter. Criteria: ACMG Guidelines, 2015. Collection method: clinical testing. Allele origin: unknown.

Labcorp Genetics (formerly Invitae), Labcorp
Classification: Pathogenic for Peroxisome biogenesis disorder 3A (Zellweger). Last evaluated: 2023-09-29. Review status: criteria provided, single submitter. Criteria: Invitae Variant Classification Sherloc (09022015). Collection method: clinical testing. Allele origin: germline.
Comment: ClinVar contains an entry for this variant (Variation ID: 558619). For these reasons, this variant has been classified as Pathogenic. This variant disrupts a region of the PEX12 protein in which other variant(s) (p.Gln337*) have been determined to be pathogenic (Invitae). This suggests that this is a clinically significant region of the protein, and that variants that disrupt it are likely to be disease-causing. This variant has not been reported in the literature in individuals affected with PEX12-related conditions. This variant is present in population databases (rs749650201, gnomAD 0.01%). This sequence change creates a premature translational stop signal (p.Gly321Metfs*12) in the PEX12 gene. While this is not anticipated to result in nonsense mediated decay, it is expected to disrupt the last 39 amino acid(s) of the PEX12 protein.

Juno Genomics, Hangzhou Juno Genomics, Inc
Classification: Likely pathogenic for Peroxisome biogenesis disorder 3A (Zellweger); Peroxisome biogenesis disorder type 3B. Review status: criteria provided, single submitter. Criteria: ACMG Guidelines, 2015. Collection method: clinical testing. Allele origin: germline.
Comment: Null variant in a gene where loss of function (LOF) is a known mechanism of disease.;Absent from controls (or at extremely low frequency if recessive) in Genome Aggregation Database.

Counsyl
Classification: Likely pathogenic for Peroxisome biogenesis disorder type 3B; Peroxisome biogenesis disorder 3A (Zellweger). Last evaluated: 2018-06-04. Review status: no assertion criteria provided. Collection method: clinical testing. Allele origin: unknown. Not counted in ClinVar's aggregate classification.

Literature cited by the submitters: PubMed 10837480 (cited by Counsyl); PubMed 11370741 (cited by Counsyl); PubMed 22471590 (cited by Counsyl); PubMed 10562279 (cited by Counsyl).

NM_000286.3(PEX12):c.961_964del (p.Gly321fs)

Gene: PEX12 (peroxisomal biogenesis factor 12; minus strand). Cytogenetic location: 17q12.
Variant type: Deletion.
Coding change: c.961_964del on transcript NM_000286.3 (MANE Select); coding-DNA positions 961 to 964, 4 bases deleted (GGCT; older notation c.961_964delGGCT).
Protein change: p.Gly321fs; shifts the reading frame from glycine 321.
Molecular consequence: frameshift variant.
Genome position (GRCh38, 1-based): chr17:35,575,898-35,575,901, AGCC deleted on the plus strand (GGCT on the coding strand, the reverse complement: PEX12 is on the minus strand); deleting any 4 consecutive bases within chr17:35,575,898-35,575,903 gives the same sequence; the c. name uses the placement nearest the transcript's 3' end. VCF-style (leftmost placement, unchanged base first): chr17-35575897-TAGCC-T. GRCh37 (hg19) VCF-style: chr17-33902916-TAGCC-T.
Other names: short protein forms G321fs.
Identifiers: ClinVar variation 558619 (VCV000558619.15), dbSNP rs749650201, ClinGen allele CA8504812.
Genomic context (GRCh38, chr17:35,575,897, plus strand): 5'-GTGATGGGACAAGCTTGGTGACTCCTCACATAATGAAACACACAGCGGTAACAAAACACA[TAGCC>T]AGAGGTGGCAAGAACAGTATCATTCACCCGGGTTTTACGACACAGTGGGCACACAGTCTT-3'